The following is an entry in ClinVar:

NM_000202.8(IDS):c.104A>G (p.Asp35Gly)

Gene: IDS (iduronate 2-sulfatase; minus strand). Cytogenetic location: Xq28.
Variant type: single nucleotide variant.
Coding change: c.104A>G on transcript NM_000202.8 (MANE Select); coding-DNA position 104, A replaced by G.
Protein change: p.Asp35Gly; replaces aspartic acid 35 with glycine.
Molecular consequence: missense variant. On other transcripts: 5 prime UTR variant (1), non-coding transcript variant (1).
Genome position (GRCh38, 1-based): chrX:149,504,293, T>C on the plus strand (A>G on the coding strand, the complement: IDS is on the minus strand). VCF-style: chrX-149504293-T-C. GRCh37 (hg19) VCF-style: chrX-148585823-T-C.
Other names: c.-123A>G (NM_001166550.4); c.104A>G, p.Asp35Gly (NM_006123.5); c.104A>G (NM_000202.7); short protein forms D35G.
Identifiers: ClinVar variation 195036 (VCV000195036.37), dbSNP rs144081417, ClinGen allele CA241305.

ClinVar aggregate classification (germline): Conflicting classifications of pathogenicity. Review status: criteria provided, conflicting classifications (1 of 4 stars). 8 submissions from 8 submitters: Uncertain significance (1); Benign (1); Likely benign (3). 3 of the submissions do not count toward it. Last evaluated 2026-02-02.

Conditions:
IDS-related disorder. Also called: IDS-related condition.
Mucopolysaccharidosis, MPS-II (MPS2). Also called: IDS deficiency; Sulfoiduronate sulfatase deficiency; SIDS deficiency; Attenuated MPS (subtype; formerly known as mild MPS II); Severe MPS II; I2S deficiency. Identifiers: Orphanet 580, Orphanet 79388, MedGen C0026705, MONDO:0010674, OMIM 309900.
Mucopolysaccharidosis, MPS-III-A (MPS3A). Also called: MPS III A; MUCOPOLYSACCHARIDOSIS, TYPE IIIA, ATTENUATED; SANFILIPPO SYNDROME A; SULFAMIDASE DEFICIENCY; Mucopolysaccharidosis type IIIA (Sanfilippo A); mucopolysaccharidosis type 3A. Identifiers: Orphanet 581, Orphanet 79269, MedGen C0086647, MONDO:0009655, OMIM 252900.

Allele frequency attached by ClinVar (database versions not stated): gnomAD 0.00019 and 0.00020; TOPMed 0.00021; ExAC 0.00025; ESP Exome Variant Server 0.00057.
gnomAD v4.1: 245 of 1,204,874 alleles (0.02%); highest among the groups gnomAD compares: Non-Finnish European, 0.025%; no homozygotes.

Submissions (8):

Labcorp Genetics (formerly Invitae), Labcorp
Classification: Benign for Mucopolysaccharidosis, MPS-II. Last evaluated: 2026-02-02. Review status: criteria provided, single submitter. Criteria: Invitae Variant Classification Sherloc (09022015). Collection method: clinical testing. Allele origin: germline.

CeGaT Center for Human Genetics Tuebingen
Classification: Likely benign. Last evaluated: 2024-11-01. Review status: criteria provided, single submitter. Criteria: CeGaT Center For Human Genetics Tuebingen Variant Classification Criteria Version 2. Collection method: clinical testing. Allele origin: germline. Affected: yes. Observed: 1 variant allele.
Comment: IDS: PM5, BS2

Blueprint Genetics
Classification: Likely benign. Last evaluated: 2024-09-15. Review status: criteria provided, single submitter. Criteria: ACMG Guidelines, 2015. Collection method: clinical testing. Allele origin: germline.

Genome-Nilou Lab
Classification: Likely benign for Mucopolysaccharidosis, MPS-II. Last evaluated: 2021-09-05. Review status: criteria provided, single submitter. Criteria: ACMG Guidelines, 2015. Collection method: clinical testing. Allele origin: germline. Affected: no.

Eurofins Ntd Llc (ga)
Classification: Uncertain significance. Last evaluated: 2014-06-02. Review status: criteria provided, single submitter. Criteria: EGL Classification Definitions 2015. Collection method: clinical testing. Allele origin: germline. Observed: 1 variant allele, 1 hemizygote.

PreventionGenetics, part of Exact Sciences
Classification: Likely benign for IDS-related condition. Last evaluated: 2023-02-27. Review status: no assertion criteria provided. Collection method: clinical testing. Allele origin: germline. Not counted in ClinVar's aggregate classification.
Comment: This variant is classified as likely benign based on ACMG/AMP sequence variant interpretation guidelines (Richards et al. 2015 PMID: 25741868, with internal and published modifications).

Natera, Inc.
Classification: Likely benign for Mucopolysaccharidosis type IIIA. Last evaluated: 2019-10-28. Review status: no assertion criteria provided. Collection method: clinical testing. Allele origin: germline. Not counted in ClinVar's aggregate classification.

Mayo Clinic Laboratories, Mayo Clinic
Classification: Likely benign. Last evaluated: 2017-06-15. Review status: no assertion criteria provided. Collection method: clinical testing. Allele origin: unknown. Not counted in ClinVar's aggregate classification.